The following is an entry in ClinVar:

ClinVar aggregate classification (germline): Uncertain significance (1 of 4 stars; one submission).

Conditions:
T-B+ severe combined immunodeficiency due to JAK3 deficiency. Also called: SCID, T CELL-NEGATIVE, B CELL-POSITIVE, NK CELL-NEGATIVE; SCID, autosomal recessive, T-negative/B-positive type. Identifiers: Orphanet 35078, MedGen C1833275, MONDO:0010938, OMIM 600802.

Allele frequency attached by ClinVar (database versions not stated): gnomAD exomes below 0.00001.
gnomAD v4.1: 2 of 1,612,954 alleles (0.00012%); highest among the groups gnomAD compares: Non-Finnish European, 0.00017%; no homozygotes.

Submission:

Labcorp Genetics (formerly Invitae), Labcorp
Classification: Uncertain significance for T-B+ severe combined immunodeficiency due to JAK3 deficiency. Last evaluated: 2018-12-14. Review status: criteria provided, single submitter. Criteria: Invitae Variant Classification Sherloc (09022015). Collection method: clinical testing. Allele origin: germline.
Comment: This sequence change replaces histidine with arginine at codon 1119 of the JAK3 protein (p.His1119Arg). The histidine residue is weakly conserved and there is a small physicochemical difference between histidine and arginine. This variant is not present in population databases (ExAC no frequency). This variant has not been reported in the literature in individuals with JAK3-related conditions. Algorithms developed to predict the effect of missense changes on protein structure and function output the following: SIFT: "Tolerated"; PolyPhen-2: "Benign"; Align-GVGD: "Class C0". The arginine amino acid residue is found in multiple mammalian species, suggesting that this missense change does not adversely affect protein function. These predictions have not been confirmed by published functional studies and their clinical significance is uncertain. In summary, the available evidence is currently insufficient to determine the role of this variant in disease. Therefore, it has been classified as a Variant of Uncertain Significance.

NM_000215.4(JAK3):c.3356A>G (p.His1119Arg)

Gene: JAK3 (Janus kinase 3; minus strand). Cytogenetic location: 19p13.11.
Variant type: single nucleotide variant.
Coding change: c.3356A>G on transcript NM_000215.4 (MANE Select); coding-DNA position 3356, A replaced by G.
Protein change: p.His1119Arg; replaces histidine 1119 with arginine.
Molecular consequence: missense variant.
Genome position (GRCh38, 1-based): chr19:17,826,762, T>C on the plus strand (A>G on the coding strand, the complement: JAK3 is on the minus strand). VCF-style: chr19-17826762-T-C. GRCh37 (hg19) VCF-style: chr19-17937571-T-C.
Other names: short protein forms H1119R.
Identifiers: ClinVar variation 640630 (VCV000640630.8), dbSNP rs1275983760, ClinGen allele CA404762928.